The following is an entry in ClinVar:

ClinVar aggregate classification (germline): Uncertain significance (1 of 4 stars; one submission).

Allele frequency attached by ClinVar (database versions not stated): 1000 Genomes Project 0.00339; 1000 Genomes Project 30x 0.00344; gnomAD 0.00698; TOPMed 0.00881.
gnomAD v4.1: 1,135 of 147,532 alleles (0.77%); highest among the groups gnomAD compares: Admixed American, 1.2%; 13 homozygotes.

Submission:

Greenwood Genetic Center Diagnostic Laboratories, Greenwood Genetic Center
Classification: Uncertain significance. Last evaluated: 2022-12-19. Review status: criteria provided, single submitter. Criteria: ACMG Guidelines, 2015. Collection method: clinical testing. Allele origin: germline. Affected: yes.
Comment: BP4

NM_000453.3(SLC5A5):c.969+933C>T

Gene: SLC5A5 (solute carrier family 5 member 5; plus strand). Cytogenetic location: 19p13.11.
Variant type: single nucleotide variant.
Coding change: c.969+933C>T on transcript NM_000453.3 (MANE Select); 933 bases into the intron after coding-DNA position 969, C replaced by T.
Molecular consequence: intron variant.
Genome position (GRCh38, 1-based): chr19:17,879,026, C>T. VCF-style: chr19-17879026-C-T. GRCh37 (hg19) VCF-style: chr19-17989835-C-T.
Identifiers: ClinVar variation 2429045 (VCV002429045.4), dbSNP rs11672224, ClinGen allele CA306181157.